The following continues an entry in ClinVar:

NM_000535.7(PMS2):c.1004A>G (p.Asn335Ser)

Gene: PMS2. ClinVar aggregate classification (germline): Conflicting classifications of pathogenicity. Uncertain significance (12); Benign (1); Likely benign (13).

Submissions 9 to 31 of 32:

Mayo Clinic Laboratories, Mayo Clinic
Classification: Uncertain significance. Last evaluated: 2025-04-14. Review status: criteria provided, single submitter. Criteria: ACMG Guidelines, 2015. Collection method: clinical testing. Allele origin: germline. Observed: 2 variant alleles.
Comment: BS1, PP4

Center for Genomic Medicine, Rigshospitalet, Copenhagen University Hospital
Classification: Uncertain significance. Last evaluated: 2025-03-04. Review status: criteria provided, single submitter. Criteria: ACMG Guidelines, 2015. Collection method: clinical testing. Allele origin: germline.

ARUP Laboratories, Molecular Genetics and Genomics, ARUP Laboratories
Classification: Likely benign. Last evaluated: 2024-12-27. Review status: criteria provided, single submitter. Criteria: ARUP Molecular Germline Variant Investigation Process 2024. Collection method: clinical testing. Allele origin: germline.

Blueprint Genetics
Classification: Likely benign. Last evaluated: 2024-11-07. Review status: criteria provided, single submitter. Criteria: ACMG Guidelines, 2015. Collection method: clinical testing. Allele origin: germline.

Institute for Biomarker Research, Medical Diagnostic Laboratories, L.L.C.
Classification: Uncertain significance for Hereditary cancer-predisposing syndrome. Last evaluated: 2024-08-12. Review status: criteria provided, single submitter. Criteria: ACMG Guidelines, 2015. Collection method: clinical testing. Allele origin: germline.
Comment: There is a small physicochemical difference between asparagine and serine, which is not likely to impact secondary protein structure as these residues share similar properties. The p.Asn335Ser variant is not predicted to disrupt the existing acceptor splice site 16bp upstream by any splice site algorithm. The p.Asn335Ser variant is not predicted to introduce a novel splice site by any splice site algorithm. For these reasons, this variant has been classified as Uncertain Significance.

German Consortium for Hereditary Breast and Ovarian Cancer, University Hospital Cologne
Classification: Likely benign for Hereditary breast ovarian cancer syndrome. Last evaluated: 2024-05-02. Review status: criteria provided, single submitter. Criteria: ACMG Guidelines, 2015. Collection method: curation. Allele origin: germline.
Comment: According to the ACMG SVI adaptation criteria we chose these criteria: PP3 (supporting pathogenic): Revel 0.972, BS1 (strong benign): MMR: CanVIG-UK Gene-Specific Guidance BS1: MTAF = 0.0003110 [> 0.0001 (0.01%)], BS3 (supporting benign): D'Arcy BM (2022) Molecular genetics & genomic medicine: PMS2 variant results in loss of ATPase activity without compromising mismatch repair. PMID: 35189042

Mendelics
Classification: Likely benign for Hereditary cancer. Last evaluated: 2024-01-23. Review status: criteria provided, single submitter. Criteria: ACMG Guidelines, 2015. Collection method: clinical testing. Allele origin: unknown.

Revvity Omics, Revvity
Classification: Uncertain significance. Last evaluated: 2023-08-04. Review status: criteria provided, single submitter. Criteria: ACMG Guidelines, 2015. Collection method: clinical testing. Allele origin: germline.

CHEO Genetics Diagnostic Laboratory, Children's Hospital of Eastern Ontario
Classification: Uncertain significance for Breast and/or ovarian cancer. Last evaluated: 2023-04-18. Review status: criteria provided, single submitter. Criteria: ACMG Guidelines, 2015. Collection method: clinical testing. Allele origin: germline.

Quest Diagnostics Nichols Institute San Juan Capistrano
Classification: Likely benign. Last evaluated: 2022-09-16. Review status: criteria provided, single submitter. Criteria: Quest Diagnostics criteria. Collection method: clinical testing. Allele origin: unknown.

Clinical Genetics Laboratory, Skane University Hospital Lund
Classification: Uncertain significance. Last evaluated: 2022-08-12. Review status: criteria provided, single submitter. Criteria: ACMG Guidelines, 2015. Collection method: clinical testing. Allele origin: germline. Affected: yes.

Color Diagnostics, LLC DBA Color Health
Classification: Likely benign for Hereditary cancer-predisposing syndrome. Last evaluated: 2022-07-27. Review status: criteria provided, single submitter. Criteria: ACMG Guidelines, 2015. Collection method: clinical testing. Allele origin: germline.

Sema4
Classification: Uncertain significance for Hereditary cancer-predisposing syndrome. Last evaluated: 2022-01-06. Review status: criteria provided, single submitter. Criteria: Sema4 Curation Guidelines. Collection method: curation. Allele origin: germline.
Comment: The PMS2 c.1004A>G (p.N335S) variant has been reported in heterozygosity in individuals with Lynch syndrome associated cancers, including cancers of the colon, pancreas, and duodenum (PMID: 28135145, 28874130, 28195393, 29945567, 31992580) although the variant was not found in a relative with colon cancer in one of these individuals (PMID: 28195393). The variant has also been reported in healthy controls, individuals with breast cancer, and an individual with thyroid cancer (PMID: 24728327, 33471991, 27153395, 24549055, 33821390, 32959997, 32658311). This variant was observed in 57/128908 chromosomes in the Non-Finnish European population, with no homozygotes, according to the Genome Aggregation Database (PMID: 32461654). This variant has been reported in ClinVar (Variation ID: 127751). In silico tools suggest the impact of the variant on protein function is deleterious, though these predictions have not been confirmed by functional studies. Based on the current evidence available, this variant is interpreted as a variant of uncertain significance.

CeGaT Center for Human Genetics Tuebingen
Classification: Uncertain significance. Last evaluated: 2021-08-01. Review status: criteria provided, single submitter. Criteria: CeGaT Center For Human Genetics Tuebingen Variant Classification Criteria Version 2. Collection method: clinical testing. Allele origin: germline. Affected: yes. Observed: 3 variant alleles.

GeneDx
Classification: Likely benign. Last evaluated: 2021-06-03. Review status: criteria provided, single submitter. Criteria: GeneDx Variant Classification Process June 2021. Collection method: clinical testing. Allele origin: germline. Affected: yes.
Comment: In silico analysis supports that this missense variant has a deleterious effect on protein structure/function; This variant is associated with the following publications: (PMID: 28195393, 28135145, 25256751, 24549055, 24728327, 28503720, 27153395, 28596308, 28874130, 28591191, 28873162, 30306255, 27535533, 11574484, 29625052, 31992580)

Baylor Genetics
Classification: Uncertain significance for Lynch syndrome 4. Last evaluated: 2019-09-30. Review status: criteria provided, single submitter. Criteria: ACMG Guidelines, 2015. Collection method: clinical testing. Allele origin: paternal. Affected: yes. Study: CSER-TexasKidsCanSeq.
Comment: This variant was determined to be of uncertain significance according to ACMG Guidelines, 2015 [PMID:25741868].

Ambry Genetics
Classification: Likely benign for Hereditary cancer-predisposing syndrome. Last evaluated: 2019-02-25. Review status: criteria provided, single submitter. Criteria: Ambry Variant Classification Scheme 2023. Collection method: clinical testing. Allele origin: germline.

Laboratory for Molecular Medicine, Mass General Brigham Personalized Medicine
Classification: Uncertain significance. Last evaluated: 2016-12-28. Review status: criteria provided, single submitter. Criteria: LMM Criteria. Collection method: clinical testing. Allele origin: germline. Observed: 1 variant allele.
Comment: The p.Asn335Ser variant in PMS2 has been reported in 1 individual who had underg one testing for a personal or family history of breast or ovarian cancer (Caster a 2014) and 1 healthy individual (Bodian 2014). This variant has been identified in 27/65558 (0.04%) European chromosomes by the Exome Aggregation Consortium (E xAC; dbSNP 200513014). Computational prediction tools and conservation analysis suggest that the p.Asn335Ser variant may impact the protein, though this information is not predictive enough to determine patho genicity. In summary, the clinical significance of the p.Asn335Ser variant is un certain.

Genetic Services Laboratory, University of Chicago
Classification: Uncertain significance. Last evaluated: 2022-10-07. Review status: no assertion criteria provided. Collection method: clinical testing. Allele origin: germline. Affected: no. Not counted in ClinVar's aggregate classification.
Comment: DNA sequence analysis of the PMS2 gene demonstrated a sequence change, c.1004A>G, in exon 10 that results in an amino acid change, p.Asn335Ser. This sequence change has been previously described in individuals with breast, ovarian, colorectal and other cancer and solid tumors (PMID: 24549055, 30306255, 31992580, 32522261, 34371384, 32959997, 32658311, 33850299, 28874130, 33821390, 28195393, 32975687). Tumors with this variant have not shown microsatellite instability (PMID: 31391288). This sequence change has been described in the gnomAD database with a frequency of 0.04% in the European subpopulation (dbSNP rs200513014). The p.Asn335Ser change affects a highly conserved amino acid residue located in a domain of the PMS2 protein that is known to be functional. The p.Asn335Ser substitution appears to be deleterious using several in-silico pathogenicity prediction tools (SIFT, PolyPhen2, Align GVGD, REVEL). Due to insufficient evidences and the lack of functional studies, the clinical significance of the p.Asn335Ser change remains unknown at this time.

Constitutional Genetics Lab, Leon Berard Cancer Center
Classification: Uncertain significance for Lynch-like syndrome. Last evaluated: 2019-07-01. Review status: no assertion criteria provided. Collection method: clinical testing. Allele origin: somatic. Affected: yes. Not counted in ClinVar's aggregate classification.

True Health Diagnostics
Classification: Uncertain significance for Hereditary cancer-predisposing syndrome. Last evaluated: 2017-12-08. Review status: no assertion criteria provided. Collection method: clinical testing. Allele origin: germline. Not counted in ClinVar's aggregate classification.

Knight Diagnostic Laboratories, Oregon Health and Sciences University
Classification: Uncertain significance for Lynch syndrome 4. Last evaluated: 2016-03-30. Review status: no assertion criteria provided. Criteria: ACMG Guidelines, 2015. Collection method: clinical testing. Allele origin: germline. Affected: no. Study: CSER-NextGen. Not counted in ClinVar's aggregate classification.

ITMI
No classification provided. Condition: AllHighlyPenetrant. Last evaluated: 2013-09-19. Review status: no classification provided. Collection method: reference population. Allele origin: germline. Not counted in ClinVar's aggregate classification.
Comment: Please see associated publication for description of ethnicities